The following is an entry in ClinVar:

ClinVar aggregate classification (germline): Uncertain significance. Review status: criteria provided, multiple submitters, no conflicts (2 of 4 stars). 3 submissions from 3 submitters: Uncertain significance (3). Last evaluated 2025-05-19.

Conditions:
Age related macular degeneration 1 (ARMD1). Also called: MACULOPATHY, AGE-RELATED, 1. Identifiers: MedGen C1864205, MONDO:0011285, OMIM 603075.

Allele frequency attached by ClinVar (database versions not stated): gnomAD 0.00009 and 0.00010; TOPMed 0.00011; ExAC 0.00015; gnomAD exomes 0.00015 and 0.00019; ESP Exome Variant Server 0.00023.
gnomAD v4.1: 281 of 1,613,646 alleles (0.017%); highest among the groups gnomAD compares: Non-Finnish European, 0.023%; no homozygotes.

Submissions (3):

Labcorp Genetics (formerly Invitae), Labcorp
Classification: Uncertain significance. Last evaluated: 2025-05-19. Review status: criteria provided, single submitter. Criteria: Invitae Variant Classification Sherloc (09022015). Collection method: clinical testing. Allele origin: germline.
Comment: This sequence change replaces arginine, which is basic and polar, with glutamine, which is neutral and polar, at codon 5509 of the HMCN1 protein (p.Arg5509Gln). This variant is present in population databases (rs140641844, gnomAD 0.03%). This variant has not been reported in the literature in individuals affected with HMCN1-related conditions. ClinVar contains an entry for this variant (Variation ID: 1397056). An algorithm developed to predict the effect of missense changes on protein structure and function (PolyPhen-2) suggests that this variant is likely to be disruptive. In summary, the available evidence is currently insufficient to determine the role of this variant in disease. Therefore, it has been classified as a Variant of Uncertain Significance.

Genome-Nilou Lab
Classification: Uncertain significance for Age related macular degeneration 1. Last evaluated: 2023-04-11. Review status: criteria provided, single submitter. Criteria: ACMG Guidelines, 2015. Collection method: clinical testing. Allele origin: germline. Affected: no.

Ambry Genetics
Classification: Uncertain significance. Last evaluated: 2022-03-23. Review status: criteria provided, single submitter. Criteria: Ambry Variant Classification Scheme 2023. Collection method: clinical testing. Allele origin: germline.

NM_031935.3(HMCN1):c.16526G>A (p.Arg5509Gln)

Genes: HMCN1 (hemicentin 1; plus strand), LOC126805953 (P300/CBP strongly-dependent group 1 enhancer GRCh37_chr1:186156636-186157835; plus strand). Cytogenetic location: 1q31.1.
Variant type: single nucleotide variant.
Coding change: c.16526G>A on transcript NM_031935.3 (MANE Select); coding-DNA position 16526, G replaced by A.
Protein change: p.Arg5509Gln; replaces arginine 5509 with glutamine.
Molecular consequence: missense variant.
Genome position (GRCh38, 1-based): chr1:186,187,994, G>A. VCF-style: chr1-186187994-G-A. GRCh37 (hg19) VCF-style: chr1-186157126-G-A.
Other names: c.16526G>A (NM_031935.2); short protein forms R5509Q.
Identifiers: ClinVar variation 1397056 (VCV001397056.8), dbSNP rs140641844, ClinGen allele CA1295587.